The following is an entry in ClinVar:

ClinVar aggregate classification (germline): Uncertain significance. Review status: criteria provided, multiple submitters, no conflicts (2 of 4 stars). 3 submissions from 3 submitters: Uncertain significance (3). Last evaluated 2026-03-25.

Conditions:
Hereditary cancer-predisposing syndrome. Also called: Tumor predisposition; Neoplastic Syndromes, Hereditary; Hereditary neoplastic syndrome; Hereditary Cancer Syndrome. Identifiers: Orphanet 140162, MedGen C0027672, MeSH D009386, MONDO:0015356.
Multiple endocrine neoplasia, type 1 (MEN1). Also called: MEN I; WERMER SYNDROME; MEA I; Endocrine adenomatosis multiple; MEN 1. Identifiers: Orphanet 652, MedGen C0025267, MeSH D018761, MONDO:0007540, OMIM 131100.

Submissions (3):

Ambry Genetics
Classification: Uncertain significance for Hereditary cancer-predisposing syndrome. Last evaluated: 2026-03-25. Review status: criteria provided, single submitter. Criteria: Ambry Variant Classification Scheme 2023. Collection method: clinical testing. Allele origin: germline.
Comment: The p.L83Q variant (also known as c.248T>A), located in coding exon 1 of the MEN1 gene, results from a T to A substitution at nucleotide position 248. The leucine at codon 83 is replaced by glutamine, an amino acid with dissimilar properties. This amino acid position is highly conserved in available vertebrate species. In addition, this alteration is predicted to be deleterious by in silico analysis. Based on the available evidence, the clinical significance of this variant remains unclear.

Labcorp Genetics (formerly Invitae), Labcorp
Classification: Uncertain significance for Multiple endocrine neoplasia, type 1. Last evaluated: 2025-12-10. Review status: criteria provided, single submitter. Criteria: Invitae Variant Classification Sherloc (09022015). Collection method: clinical testing. Allele origin: germline.
Comment: This sequence change replaces leucine, which is neutral and non-polar, with glutamine, which is neutral and polar, at codon 83 of the MEN1 protein (p.Leu83Gln). This variant is not present in population databases (gnomAD no frequency). This variant has not been reported in the literature in individuals affected with MEN1-related conditions. ClinVar contains an entry for this variant (Variation ID: 838752). Invitae Evidence Modeling of protein sequence and biophysical properties (such as structural, functional, and spatial information, amino acid conservation, physicochemical variation, residue mobility, and thermodynamic stability) indicates that this missense variant is expected to disrupt MEN1 protein function with a positive predictive value of 95%. In summary, the available evidence is currently insufficient to determine the role of this variant in disease. Therefore, it has been classified as a Variant of Uncertain Significance.

All of Us Research Program, National Institutes of Health
Classification: Uncertain significance for Multiple endocrine neoplasia, type 1. Last evaluated: 2023-06-26. Review status: criteria provided, single submitter. Criteria: ACMG Guidelines, 2015. Collection method: clinical testing. Allele origin: germline. Inheritance: Autosomal dominant inheritance. Observed: 1 variant allele, 1 heterozygote.
Comment: This missense variant replaces leucine with glutamine at codon 83 of the MEN1 protein. Computational prediction suggests that this variant may have deleterious impact on protein structure and function (internally defined REVEL score threshold >= 0.7, PMID: 27666373). To our knowledge, functional studies have not been reported for this variant. This variant has not been reported in individuals affected with MEN1-related disorders in the literature. This variant has not been identified in the general population by the Genome Aggregation Database (gnomAD). The available evidence is insufficient to determine the role of this variant in disease conclusively. Therefore, this variant is classified as a Variant of Uncertain Significance.

This study involves interpretation of variants in research participants for the purpose of population health screening. Participant phenotype was not available at the time of variant classification. Additional details can be found in publication PMID: 35346344, PMCID: PMC8962531

NM_001370259.2(MEN1):c.248T>A (p.Leu83Gln)

Gene: MEN1 (menin 1; minus strand). Cytogenetic location: 11q13.1.
Variant type: single nucleotide variant.
Coding change: c.248T>A on transcript NM_001370259.2 (MANE Select); coding-DNA position 248, T replaced by A.
Protein change: p.Leu83Gln; replaces leucine 83 with glutamine.
Molecular consequence: missense variant.
Genome position (GRCh38, 1-based): chr11:64,809,862, A>T on the plus strand (T>A on the coding strand, the complement: MEN1 is on the minus strand). VCF-style: chr11-64809862-A-T. GRCh37 (hg19) VCF-style: chr11-64577334-A-T.
Other names: c.248T>A, p.Leu83Gln (NM_000244.4, NM_001370251.2, NM_001370260.2 and 9 more transcripts); short protein forms L83Q.
Identifiers: ClinVar variation 838752 (VCV000838752.12), dbSNP rs752747097, ClinGen allele CA381187561.